The following is an entry in ClinVar:

NM_018136.5(ASPM):c.6826_6828del (p.Leu2276del)

Gene: ASPM (assembly factor for spindle microtubules; minus strand). Cytogenetic location: 1q31.3.
Variant type: Deletion.
Coding change: c.6826_6828del on transcript NM_018136.5 (MANE Select); coding-DNA positions 6826 to 6828, 3 bases deleted (CTA; older notation c.6826_6828delCTA).
Protein change: p.Leu2276del; deletes leucine 2276.
Molecular consequence: intron variant (on NM_001206846.2).
Genome position (GRCh38, 1-based): chr1:197,102,423-197,102,425, TAG deleted on the plus strand (CTA on the coding strand, the reverse complement: ASPM is on the minus strand). VCF-style (leftmost placement, unchanged base first): chr1-197102422-TTAG-T. GRCh37 (hg19) VCF-style: chr1-197071552-TTAG-T.
Other names: c.4066-6261_4066-6259del (NM_001206846.2); short protein forms L2276del.
Identifiers: ClinVar variation 3767270 (VCV003767270.2).

ClinVar aggregate classification (germline): Pathogenic (0 of 4 stars; one submission).

Conditions:
Microcephaly 5, primary, autosomal recessive (MCPH5). Also called: ASPM Primary Microcephaly. Identifiers: Orphanet 2512, MedGen C1837501, MONDO:0012106, OMIM 608716.

Submission:

Medical Genetics Laboratory, AJA University of Medical Sciences
Classification: Pathogenic for Microcephaly 5, primary, autosomal recessive. Last evaluated: 2024-04-20. Review status: no assertion criteria provided. Collection method: clinical testing. Allele origin: germline. Inheritance: Autosomal recessive inheritance. Affected: yes. Observed: 1 hemizygote.
Comment: The NM_018136.5(ASPM):​c.6826_6827delCT​(p.Leu2276fs) variant causes a frameshift change involving the alteration of a non-conserved nucleotide (PVS1). The variant allele was found at a frequency of 0.00000411 in 1,460,724 control chromosomes in the GnomAD database, with no homozygous occurrence (PM2).